The following is an entry in ClinVar:

ClinVar aggregate classification (germline): Uncertain significance. Review status: criteria provided, multiple submitters, no conflicts (2 of 4 stars). 2 submissions from 2 submitters: Uncertain significance (2). Last evaluated 2023-10-17.

Conditions:
Familial adenomatous polyposis 1 (FAP1). Also called: POLYPOSIS, ADENOMATOUS INTESTINAL; FAMILIAL ADENOMATOUS POLYPOSIS 1, ATTENUATED. Identifiers: MedGen C2713442, MONDO:0021056, OMIM 175100. Disease mechanism: loss of function.
Hereditary cancer-predisposing syndrome. Also called: Neoplastic Syndromes, Hereditary; Tumor predisposition; Hereditary neoplastic syndrome; Hereditary Cancer Syndrome. Identifiers: Orphanet 140162, MedGen C0027672, MeSH D009386, MONDO:0015356.

Submissions (2):

Labcorp Genetics (formerly Invitae), Labcorp
Classification: Uncertain significance for Familial adenomatous polyposis 1. Last evaluated: 2023-10-17. Review status: criteria provided, single submitter. Criteria: Invitae Variant Classification Sherloc (09022015). Collection method: clinical testing. Allele origin: germline.
Comment: This sequence change replaces leucine, which is neutral and non-polar, with valine, which is neutral and non-polar, at codon 2027 of the APC protein (p.Leu2027Val). This variant is not present in population databases (gnomAD no frequency). This variant has not been reported in the literature in individuals affected with APC-related conditions. ClinVar contains an entry for this variant (Variation ID: 826170). Advanced modeling of protein sequence and biophysical properties (such as structural, functional, and spatial information, amino acid conservation, physicochemical variation, residue mobility, and thermodynamic stability) performed at Invitae indicates that this missense variant is not expected to disrupt APC protein function. In summary, the available evidence is currently insufficient to determine the role of this variant in disease. Therefore, it has been classified as a Variant of Uncertain Significance.

Ambry Genetics
Classification: Uncertain significance for Hereditary cancer-predisposing syndrome. Last evaluated: 2019-01-17. Review status: criteria provided, single submitter. Criteria: Ambry Variant Classification Scheme 2023. Collection method: clinical testing. Allele origin: germline.
Comment: The p.L2027V variant (also known as c.6079C>G), located in coding exon 15 of the APC gene, results from a C to G substitution at nucleotide position 6079. The leucine at codon 2027 is replaced by valine, an amino acid with highly similar properties. This amino acid position is highly conserved in available vertebrate species. In addition, in silico predictors for this gene do not accurately predict pathogenicity. Since supporting evidence is limited at this time, the clinical significance of this alteration remains unclear.

NM_000038.6(APC):c.6079C>G (p.Leu2027Val)

Gene: APC (APC regulator of Wnt signaling pathway; plus strand). Cytogenetic location: 5q22.2.
Variant type: single nucleotide variant.
Coding change: c.6079C>G on transcript NM_000038.6 (MANE Select); coding-DNA position 6079, C replaced by G.
Protein change: p.Leu2027Val; replaces leucine 2027 with valine.
Molecular consequence: missense variant.
Genome position (GRCh38, 1-based): chr5:112,841,673, C>G. VCF-style: chr5-112841673-C-G. GRCh37 (hg19) VCF-style: chr5-112177370-C-G.
Other names: c.6004C>G, p.Leu2002Val (NM_001354898.2); c.5995C>G, p.Leu1999Val (NM_001354899.2); c.6079C>G, p.Leu2027Val (NM_001127510.3, NM_001354895.2); c.6025C>G, p.Leu2009Val (NM_001127511.3); c.6133C>G, p.Leu2045Val (NM_001354896.2); c.6109C>G, p.Leu2037Val (NM_001354897.2); c.5956C>G, p.Leu1986Val (NM_001354900.2); c.5902C>G, p.Leu1968Val (NM_001354901.2); and 5 more; short protein forms L1986V, L2037V, L1901V, L2002V, L2009V, L2045V, L1926V, L1999V.
Identifiers: ClinVar variation 826170 (VCV000826170.15), dbSNP rs1580667302, ClinGen allele CA16034637.